The following is an entry in ClinVar:

NM_015102.5(NPHP4):c.902C>T (p.Pro301Leu)

Gene: NPHP4 (nephrocystin 4; minus strand). Cytogenetic location: 1p36.31.
Variant type: single nucleotide variant.
Coding change: c.902C>T on transcript NM_015102.5 (MANE Select); coding-DNA position 902, C replaced by T.
Protein change: p.Pro301Leu; replaces proline 301 with leucine.
Molecular consequence: missense variant. On other transcripts: 5 prime UTR variant (2), non-coding transcript variant (1).
Genome position (GRCh38, 1-based): chr1:5,948,160, G>A on the plus strand (C>T on the coding strand, the complement: NPHP4 is on the minus strand). VCF-style: chr1-5948160-G-A. GRCh37 (hg19) VCF-style: chr1-6008220-G-A.
Other names: c.902C>T (NM_015102.4); c.-465C>T (NM_001291593.2, NM_001291594.2); short protein forms P301L.
Identifiers: ClinVar variation 502735 (VCV000502735.21), dbSNP rs527701970, ClinGen allele CA554706.

ClinVar aggregate classification (germline): Conflicting classifications of pathogenicity. Review status: criteria provided, conflicting classifications (1 of 4 stars). 8 submissions from 7 submitters: Uncertain significance (5); Benign (1); Likely benign (1). 1 of the submissions does not count toward it. Last evaluated 2026-07-01.

Conditions:
Retinal dystrophy. Also called: Inherited retinal dystrophy. Identifiers: Orphanet 71862, MedGen C0854723, MeSH D058499, MONDO:0019118, HP:0000556.
NPHP4-related disorder. Also called: NPHP4-related condition; NPHP4-related disorders. Identifiers: MedGen CN239384.
Nephronophthisis. Also called: Juvenile Nephronophthisis. Identifiers: Orphanet 655, MedGen C0687120, MONDO:0019005, HP:0000090.
Nephronophthisis 4 (NPHP4). Also called: NEPHRONOPHTHISIS 4, JUVENILE. Identifiers: Orphanet 655, MedGen C1847013, MONDO:0011752, OMIM 606966.
Senior-Loken syndrome 4 (SLSN4). Identifiers: Orphanet 3156, MedGen C1846979, MONDO:0011756, OMIM 606996.

Allele frequency attached by ClinVar (database versions not stated): TOPMed 0.00013; gnomAD 0.00014 and 0.00017; ExAC 0.00017; gnomAD exomes 0.00019 and 0.00027.
gnomAD v4.1: 414 of 1,613,280 alleles (0.026%); highest among the groups gnomAD compares: South Asian, 0.11%; 2 homozygotes.

Submissions (8):

PreventionGenetics, part of Exact Sciences
Classification: Uncertain significance for NPHP4-related condition. Last evaluated: 2026-07-01. Review status: criteria provided, single submitter. Criteria: ACMG Guidelines, 2015. Collection method: clinical testing. Allele origin: germline.
Comment: The NPHP4 c.902C>T variant is predicted to result in the amino acid substitution p.Pro301Leu. To our knowledge, this variant has not been reported in the literature in individuals with NPHP4-related disorders. This variant is reported in 0.092% of alleles in individuals of South Asian descent in gnomAD, including two homozygous individuals, which may be too frequent to be a primary cause of disease. Although we suspect that this variant may be benign, the clinical significance of this variant is currently classified as uncertain due to the absence of conclusive functional and genetic evidence.

Labcorp Genetics (formerly Invitae), Labcorp
Classification: Benign for Nephronophthisis. Last evaluated: 2025-10-22. Review status: criteria provided, single submitter. Criteria: Invitae Variant Classification Sherloc (09022015). Collection method: clinical testing. Allele origin: germline.

Revvity Omics, Revvity
Classification: Uncertain significance. Last evaluated: 2024-03-07. Review status: criteria provided, single submitter. Criteria: ACMG Guidelines, 2015. Collection method: clinical testing. Allele origin: germline.

Blueprint Genetics
Classification: Likely benign. Last evaluated: 2024-03-05. Review status: criteria provided, single submitter. Criteria: ACMG Guidelines, 2015. Collection method: clinical testing. Allele origin: germline.

Illumina Laboratory Services, Illumina
Classification: Uncertain significance for Nephronophthisis 4. Last evaluated: 2018-01-13. Review status: criteria provided, single submitter. Criteria: ICSL Variant Classification Criteria 13 December 2019. Collection method: clinical testing. Allele origin: germline.

Illumina Laboratory Services, Illumina
Classification: Uncertain significance for Senior-Loken syndrome 4. Last evaluated: 2018-01-13. Review status: criteria provided, single submitter. Criteria: ICSL Variant Classification Criteria 13 December 2019. Collection method: clinical testing. Allele origin: germline.

Eurofins Ntd Llc (ga)
Classification: Uncertain significance. Last evaluated: 2017-06-27. Review status: criteria provided, single submitter. Criteria: EGL Classification Definitions 2015. Collection method: clinical testing. Allele origin: germline. Observed: 2 variant alleles, 2 heterozygotes.

Institute of Human Genetics, Univ. Regensburg, Univ. Regensburg
Classification: Uncertain significance for Retinal dystrophy. Last evaluated: 2023-01-01. Review status: no assertion criteria provided. Criteria: ACMG Guidelines, 2015. Collection method: clinical testing. Allele origin: germline. Affected: yes. Not counted in ClinVar's aggregate classification.